The following is an entry in ClinVar:

ClinVar aggregate classification (germline): Uncertain significance (1 of 4 stars; one submission).

Conditions:
Cardiomyopathy (CMYO). Also called: Cardiomyopathies. Identifiers: Orphanet 167848, MedGen C0878544, MONDO:0004994, HP:0001638. Inheritance: Various modes of inheritance.

Allele frequency attached by ClinVar (database versions not stated): ExAC 0.00001; gnomAD 0.00001.
gnomAD v4.1: 1 of 1,613,876 alleles (0.000062%); no homozygotes.

Submission:

Color Diagnostics, LLC DBA Color Health
Classification: Uncertain significance for Cardiomyopathy. Last evaluated: 2023-09-18. Review status: criteria provided, single submitter. Criteria: ACMG Guidelines, 2015. Collection method: clinical testing. Allele origin: germline.
Comment: This missense variant replaces arginine with threonine at codon 135 of the DSG2 protein. Computational prediction suggests that this variant may not impact protein structure and function (internally defined REVEL score threshold <= 0.5, PMID: 27666373). To our knowledge, functional studies have not been reported for this variant. This variant has not been reported in individuals affected with DSG2-related disorders in the literature. This variant has not been identified in the general population by the Genome Aggregation Database (gnomAD). The available evidence is insufficient to determine the role of this variant in disease conclusively. Therefore, this variant is classified as a Variant of Uncertain Significance.

NM_001943.5(DSG2):c.404G>C (p.Arg135Thr)

Gene: DSG2 (desmoglein 2; plus strand). Cytogenetic location: 18q12.1.
Variant type: single nucleotide variant.
Coding change: c.404G>C on transcript NM_001943.5 (MANE Select); coding-DNA position 404, G replaced by C.
Protein change: p.Arg135Thr; replaces arginine 135 with threonine.
Molecular consequence: missense variant.
Genome position (GRCh38, 1-based): chr18:31,521,124, G>C. VCF-style: chr18-31521124-G-C. GRCh37 (hg19) VCF-style: chr18-29101087-G-C.
Other names: short protein forms R135T.
Identifiers: ClinVar variation 2775206 (VCV002775206.2), dbSNP rs748059851, ClinGen allele CA048679.